The following is an entry in ClinVar:

NM_138694.4(PKHD1):c.7067C>T (p.Pro2356Leu)

Gene: PKHD1 (PKHD1 ciliary IPT domain containing fibrocystin/polyductin; minus strand). Cytogenetic location: 6p12.2.
Variant type: single nucleotide variant.
Coding change: c.7067C>T on transcript NM_138694.4 (MANE Select); coding-DNA position 7067, C replaced by T.
Protein change: p.Pro2356Leu; replaces proline 2356 with leucine.
Molecular consequence: missense variant.
Genome position (GRCh38, 1-based): chr6:51,887,175, G>A on the plus strand (C>T on the coding strand, the complement: PKHD1 is on the minus strand). VCF-style: chr6-51887175-G-A. GRCh37 (hg19) VCF-style: chr6-51751973-G-A.
Other names: c.7067C>T, p.Pro2356Leu (NM_170724.3); short protein forms P2356L.
Identifiers: ClinVar variation 550310 (VCV000550310.28), dbSNP rs141360909, ClinGen allele CA3852065.

ClinVar aggregate classification (germline): Conflicting classifications of pathogenicity. Review status: criteria provided, conflicting classifications (1 of 4 stars). 9 submissions from 9 submitters: Uncertain significance (4); Likely benign (2). 3 of the submissions do not count toward it. Last evaluated 2026-10-22.

Conditions:
PKHD1-related disorder. Also called: PKHD1-related condition.
Autosomal recessive polycystic kidney disease (ARPKD). Also called: AR polycystic kidney disease. Identifiers: Orphanet 731, Orphanet 8378, MedGen C0085548, MeSH D017044, MONDO:0009889.
Polycystic kidney disease 4 (PKD4). Also called: POLYCYSTIC KIDNEY AND HEPATIC DISEASE 1; POLYCYSTIC KIDNEY DISEASE, INFANTILE, TYPE I; POLYCYSTIC KIDNEY DISEASE 4 WITH OR WITHOUT POLYCYSTIC LIVER DISEASE; Autosomal Recessive Polycystic Kidney Disease – PKHD1; PKD3. Identifiers: MedGen C4540575, MONDO:0033004, OMIM 263200.

Allele frequency attached by ClinVar (database versions not stated): gnomAD exomes 0.00048 and 0.00061; 1000 Genomes Project 30x 0.00016; ESP Exome Variant Server 0.00031; 1000 Genomes Project 0.00020; TOPMed 0.00026; ExAC 0.00065; gnomAD 0.00044.
gnomAD v4.1: 769 of 1,613,310 alleles (0.048%); highest among the groups gnomAD compares: Non-Finnish European, 0.044%; 1 homozygote.

Submissions (9):

GeneDx
Classification: Uncertain significance. Last evaluated: 2026-10-22. Review status: criteria provided, single submitter. Criteria: GeneDx Variant Classification Process June 2021. Collection method: clinical testing. Allele origin: germline.
Comment: Identified in a patient with autosomal recessive polycystic kidney disease in published literature, but no second PKHD1 variant was seen (PMID: 27225849); In silico analysis supports that this missense variant has a deleterious effect on protein structure/function; This variant is associated with the following publications: (PMID: 27225849)

Labcorp Genetics (formerly Invitae), Labcorp
Classification: Likely benign for Autosomal recessive polycystic kidney disease. Last evaluated: 2025-12-27. Review status: criteria provided, single submitter. Criteria: Invitae Variant Classification Sherloc (09022015). Collection method: clinical testing. Allele origin: germline.

Blueprint Genetics
Classification: Likely benign. Last evaluated: 2024-11-14. Review status: criteria provided, single submitter. Criteria: ACMG Guidelines, 2015. Collection method: clinical testing. Allele origin: germline.

Fulgent Genetics
Classification: Uncertain significance for Polycystic kidney disease 4. Last evaluated: 2018-10-31. Review status: criteria provided, single submitter. Criteria: ACMG Guidelines, 2015. Collection method: clinical testing. Allele origin: unknown.

Eurofins Ntd Llc (ga)
Classification: Uncertain significance. Last evaluated: 2018-08-30. Review status: criteria provided, single submitter. Criteria: EGL ClinVar v180209 classification definitions. Collection method: clinical testing. Allele origin: germline. Observed: 3 variant alleles, 3 heterozygotes.

Illumina Laboratory Services, Illumina
Classification: Uncertain significance for Polycystic kidney disease 4. Last evaluated: 2018-01-12. Review status: criteria provided, single submitter. Criteria: ICSL Variant Classification Criteria 13 December 2019. Collection method: clinical testing. Allele origin: germline.

PreventionGenetics, part of Exact Sciences
Classification: Uncertain significance for PKHD1-related condition. Last evaluated: 2024-07-29. Review status: no assertion criteria provided. Collection method: clinical testing. Allele origin: germline. Not counted in ClinVar's aggregate classification.
Comment: The PKHD1 c.7067C>T variant is predicted to result in the amino acid substitution p.Pro2356Leu. This variant has been reported in an individual with autosomal recessive polycystic kidney disease (ARPKD), but a second PKHD1 variant was not identified (Table 2, Melchionda et al. 2016. PubMed ID: 27225849). This variant is reported in 0.26% of alleles in individuals of European (Finnish) descent in gnomAD with one individual found homozygous in the European (non-Finnish) population. Although we suspect that this variant may be benign, at this time, the clinical significance of this variant is uncertain due to the absence of conclusive functional and genetic evidence.

Natera, Inc.
Classification: Likely benign for Autosomal recessive polycystic kidney disease. Last evaluated: 2020-06-01. Review status: no assertion criteria provided. Collection method: clinical testing. Allele origin: germline. Not counted in ClinVar's aggregate classification.

Counsyl
Classification: Uncertain significance for Polycystic kidney disease 4. Last evaluated: 2017-01-06. Review status: no assertion criteria provided. Collection method: clinical testing. Allele origin: unknown. Not counted in ClinVar's aggregate classification.

Literature cited by the submitters: PubMed 27225849 (cited by Counsyl).